The following is an entry in ClinVar:

ClinVar aggregate classification (germline): Uncertain significance. Review status: criteria provided, multiple submitters, no conflicts (2 of 4 stars). 2 submissions from 2 submitters: Uncertain significance (2). Last evaluated 2021-09-29.

Conditions:
Myopathy, myofibrillar, 9, with early respiratory failure (MFM9). Also called: EDSTROM MYOPATHY; MYOPATHY, PROXIMAL, WITH EARLY RESPIRATORY MUSCLE INVOLVEMENT; Myopathy, distal, with early respiratory failure, autosomal dominant; Hereditary myopathy with early respiratory failure. Identifiers: Orphanet 178464, Orphanet 34521, MedGen C1863599, MONDO:0011362, OMIM 603689.
Early-onset myopathy with fatal cardiomyopathy (CMYO5). Also called: CONGENITAL MYOPATHY 5 WITH CARDIOMYOPATHY; Salih Myopathy. Identifiers: Orphanet 289377, MedGen C2673677, MONDO:0012714, OMIM 611705. Disease mechanism: loss of function.
Hypertrophic cardiomyopathy 9. Also called: Familial hypertrophic cardiomyopathy 9. Identifiers: MedGen C1861065, MONDO:0013412, OMIM 613765.
Dilated cardiomyopathy 1G (CMD1G). Identifiers: Orphanet 154, MedGen C1858763, MONDO:0011400, OMIM 604145.
Tibial muscular dystrophy (TMD). Also called: UDD MYOPATHY; Tibial muscular dystrophy, tardive; Udd Distal Myopathy – Tibial Muscular Dystrophy. Identifiers: Orphanet 609, MedGen C1838244, MONDO:0010870, OMIM 600334.
Autosomal recessive limb-girdle muscular dystrophy type 2J (LGMDR10). Also called: MUSCULAR DYSTROPHY, LIMB-GIRDLE, AUTOSOMAL RECESSIVE 10; Limb-girdle muscular dystrophy, type 2J. Identifiers: Orphanet 140922, MedGen C1837342, MONDO:0012127, OMIM 608807.

Allele frequency attached by ClinVar (database versions not stated): gnomAD 0.00001; TOPMed 0.00001.
gnomAD v4.1: 1 of 1,613,548 alleles (0.000062%); highest among the groups gnomAD compares: African/African-American, 0.0013%; no homozygotes.

Submissions (2):

Fulgent Genetics
Classification: Uncertain significance for Tibial muscular dystrophy; Myopathy, myofibrillar, 9, with early respiratory failure; Dilated cardiomyopathy 1G; Autosomal recessive limb-girdle muscular dystrophy type 2J; Early-onset myopathy with fatal cardiomyopathy; Hypertrophic cardiomyopathy 9. Last evaluated: 2021-09-29. Review status: criteria provided, single submitter. Criteria: ACMG Guidelines, 2015. Collection method: clinical testing. Allele origin: unknown.

GeneDx
Classification: Uncertain significance. Last evaluated: 2014-04-16. Review status: criteria provided, single submitter. Criteria: GeneDx Variant Classification (06012015). Collection method: clinical testing. Allele origin: germline. Affected: yes.
Comment: Missense variants in the TTN gene are considered 'unclassified' if they are not previously reported in the literature and do not have >1% frequency in the population to be considered a polymorphism. Research indicates that truncating mutations in the TTN gene are expected to account for approximately 25% of familial and 18% of sporadic idiopathic DCM; however, truncating variants in the TTN gene have been reported in approximately 3% of reported control alleles. There has been little investigation into non-truncating variants. (Herman D et al. Truncations of titin causing dilated cardiomyopathy. N Eng J Med 366:619-628, 2012) The variant is found in DCM-CRDM panel(s).

NM_001267550.2(TTN):c.100429G>C (p.Glu33477Gln)

Genes: TTN-AS1 (TTN antisense RNA 1; plus strand), TTN (titin; minus strand). Cytogenetic location: 2q31.2.
Variant type: single nucleotide variant.
Coding change: c.100429G>C on transcript NM_001267550.2 (MANE Select); coding-DNA position 100429, G replaced by C.
Protein change: p.Glu33477Gln; replaces glutamic acid 33477 with glutamine.
Molecular consequence: missense variant.
Genome position (GRCh38, 1-based): chr2:178,536,318, C>G on the plus strand (G>C on the coding strand, the complement: TTN is on the minus strand). VCF-style: chr2-178536318-C-G. GRCh37 (hg19) VCF-style: chr2-179401045-C-G.
Other names: p.E31836Q:GAA>CAA; c.95506G>C, p.Glu31836Gln (NM_001256850.1); c.73234G>C, p.Glu24412Gln (NM_003319.4); c.92725G>C, p.Glu30909Gln (NM_133378.4); c.73609G>C, p.Glu24537Gln (NM_133432.3); c.73810G>C, p.Glu24604Gln (NM_133437.4); short protein forms E31836Q, E33477Q, E24412Q, E24537Q, E24604Q, E30909Q.
Identifiers: ClinVar variation 203054 (VCV000203054.3), dbSNP rs794729556, ClinGen allele CA311100.